The following is an entry in ClinVar:

NM_015214.3(DDHD2):c.196C>T (p.Gln66Ter)

Gene: DDHD2 (DDHD domain containing 2; plus strand). Cytogenetic location: 8p11.23.
Variant type: single nucleotide variant.
Coding change: c.196C>T on transcript NM_015214.3 (MANE Select); coding-DNA position 196, C replaced by T.
Protein change: p.Gln66Ter; replaces glutamine 66 with a stop codon.
Molecular consequence: nonsense. On other transcripts: non-coding transcript variant (2).
Genome position (GRCh38, 1-based): chr8:38,233,190, C>T. VCF-style: chr8-38233190-C-T. GRCh37 (hg19) VCF-style: chr8-38090708-C-T.
Other names: c.196C>T, p.Gln66Ter (NM_001164232.2, NM_001164234.2, NM_001362911.2 and 3 more transcripts); short protein forms Q66*.
Identifiers: ClinVar variation 2067256 (VCV002067256.4), dbSNP rs2486749357, ClinGen allele CA370710924.

ClinVar aggregate classification (germline): Pathogenic (1 of 4 stars; one submission).

Conditions:
Hereditary spastic paraplegia 54. Also called: Spastic paraplegia 54, autosomal recessive. Identifiers: Orphanet 320380, MedGen C3539495, MONDO:0014018, OMIM 615033.

Allele frequency attached by ClinVar (database versions not stated): gnomAD exomes below 0.00001.
gnomAD v4.1: 1 of 1,613,900 alleles (0.000062%); highest among the groups gnomAD compares: Non-Finnish European, 0.000085%; no homozygotes.

Submission:

Labcorp Genetics (formerly Invitae), Labcorp
Classification: Pathogenic for Hereditary spastic paraplegia 54. Last evaluated: 2025-09-02. Review status: criteria provided, single submitter. Criteria: Invitae Variant Classification Sherloc (09022015). Collection method: clinical testing. Allele origin: germline.
Comment: This sequence change creates a premature translational stop signal (p.Gln66*) in the DDHD2 gene. It is expected to result in an absent or disrupted protein product. Loss-of-function variants in DDHD2 are known to be pathogenic (PMID: 23176823, 23486545). This variant is not present in population databases (gnomAD no frequency). This variant has not been reported in the literature in individuals affected with DDHD2-related conditions. ClinVar contains an entry for this variant (Variation ID: 2067256). Algorithms developed to predict the effect of sequence changes on RNA splicing suggest that this variant may disrupt the consensus splice site. For these reasons, this variant has been classified as Pathogenic.

Literature cited by the submitters: PubMed 23176823; PubMed 23486545.